The following is an entry in ClinVar:

ClinVar aggregate classification (germline): Conflicting classifications of pathogenicity. Review status: criteria provided, conflicting classifications (1 of 4 stars). 5 submissions from 5 submitters: Uncertain significance (2); Likely benign (2). 1 of the submissions does not count toward it. Last evaluated 2026-01-25.

Conditions:
ALDOB-related disorder. Also called: ALDOB-related condition.
Hereditary fructosuria. Also called: Fructose intolerance; ALDOB DEFICIENCY; ALDOLASE B DEFICIENCY; FRUCTOSE-1,6-BISPHOSPHATE ALDOLASE B DEFICIENCY; FRUCTOSE-1-PHOSPHATE ALDOLASE DEFICIENCY; FRUCTOSEMIA. Identifiers: Orphanet 469, MedGen C0016751, MONDO:0009249, OMIM 229600, HP:0005973. Disease mechanism: loss of function.

Allele frequency attached by ClinVar (database versions not stated): TOPMed 0.00029; gnomAD exomes 0.00030 and 0.00063; gnomAD 0.00032; ExAC 0.00035; ESP Exome Variant Server 0.00046.
gnomAD v4.1: 941 of 1,614,038 alleles (0.058%); highest among the groups gnomAD compares: Non-Finnish European, 0.077%; no homozygotes.

Submissions (5):

Labcorp Genetics (formerly Invitae), Labcorp
Classification: Likely benign for Hereditary fructosuria. Last evaluated: 2026-01-25. Review status: criteria provided, single submitter. Criteria: Invitae Variant Classification Sherloc (09022015). Collection method: clinical testing. Allele origin: germline.

GeneDx
Classification: Likely benign. Last evaluated: 2018-02-15. Review status: criteria provided, single submitter. Criteria: GeneDx Variant Classification (06012015). Collection method: clinical testing. Allele origin: germline. Affected: yes.
Comment: This variant is considered likely benign or benign based on one or more of the following criteria: it is a conservative change, it occurs at a poorly conserved position in the protein, it is predicted to be benign by multiple in silico algorithms, and/or has population frequency not consistent with disease.

Illumina Laboratory Services, Illumina
Classification: Uncertain significance for Hereditary fructosuria. Last evaluated: 2018-01-13. Review status: criteria provided, single submitter. Criteria: ICSL Variant Classification Criteria 13 December 2019. Collection method: clinical testing. Allele origin: germline.

Eurofins Ntd Llc (ga)
Classification: Uncertain significance. Last evaluated: 2017-12-05. Review status: criteria provided, single submitter. Criteria: EGL Classification Definitions 2015. Collection method: clinical testing. Allele origin: germline. Observed: 1 variant allele, 1 heterozygote.

PreventionGenetics, part of Exact Sciences
Classification: Likely benign for ALDOB-related condition. Last evaluated: 2023-01-06. Review status: no assertion criteria provided. Collection method: clinical testing. Allele origin: germline. Not counted in ClinVar's aggregate classification.
Comment: This variant is classified as likely benign based on ACMG/AMP sequence variant interpretation guidelines (Richards et al. 2015 PMID: 25741868, with internal and published modifications).

NM_000035.4(ALDOB):c.681C>T (p.Thr227=)

Gene: ALDOB (aldolase, fructose-bisphosphate B; minus strand). Cytogenetic location: 9q31.1.
Variant type: single nucleotide variant.
Coding change: c.681C>T on transcript NM_000035.4 (MANE Select); coding-DNA position 681, C replaced by T.
Protein change: p.Thr227=; no amino-acid change (threonine 227 retained).
Molecular consequence: synonymous variant.
Genome position (GRCh38, 1-based): chr9:101,425,571, G>A on the plus strand (C>T on the coding strand, the complement: ALDOB is on the minus strand). VCF-style: chr9-101425571-G-A. GRCh37 (hg19) VCF-style: chr9-104187853-G-A.
Other names: c.681C>T, p.Thr227= (LRG_1244t1).
Identifiers: ClinVar variation 515340 (VCV000515340.22), dbSNP rs61757689, ClinGen allele CA5161503.